The following is an entry in ClinVar:

NM_002693.3(POLG):c.3271dup (p.Glu1091fs)

Gene: POLG (DNA polymerase gamma, catalytic subunit; minus strand). Cytogenetic location: 15q26.1.
Variant type: Duplication.
Coding change: c.3271dup on transcript NM_002693.3 (MANE Select); coding-DNA position 3271, one base duplicated (G; older notation c.3271dupG).
Protein change: p.Glu1091fs; shifts the reading frame from glutamic acid 1091.
Molecular consequence: frameshift variant.
Genome position (GRCh38, 1-based): chr15:89,318,933, C duplicated on the plus strand (G on the coding strand, the reverse complement: POLG is on the minus strand). VCF-style (leftmost placement, unchanged base first): chr15-89318932-T-TC. GRCh37 (hg19) VCF-style: chr15-89862163-T-TC.
Other names: c.3271dup, p.Glu1091fs (NM_001126131.2); c.3271dupG (NM_002693.2); short protein forms E1091fs.
Identifiers: ClinVar variation 4995997 (VCV004995997.1).

ClinVar aggregate classification (germline): Likely pathogenic (1 of 4 stars; one submission).

Conditions:
POLG-related disorder. Also called: POLG-related condition; POLG-Related Disorders; POLG-Related Spectrum Disorders. Identifiers: MedGen C4763519.

Submission:

PreventionGenetics, part of Exact Sciences
Classification: Likely pathogenic for POLG-related condition. Last evaluated: 2025-12-28. Review status: criteria provided, single submitter. Criteria: ACMG Guidelines, 2015. Collection method: clinical testing. Allele origin: germline.
Comment: The POLG c.3271dupG variant is predicted to result in a frameshift and premature protein termination (p.Glu1091Glyfs*17). To our knowledge, this variant has not been reported in the literature. This variant is absent in a large population database (gnomAD), indicating this variant is rare. Frameshift variants in POLG are an established mechanism of autosomal recessive disease. This variant is interpreted as likely pathogenic.